The following is an entry in ClinVar:

ClinVar aggregate classification (germline): Uncertain significance (1 of 4 stars; one submission).

Submission:

GeneDx
Classification: Uncertain significance. Last evaluated: 2022-09-12. Review status: criteria provided, single submitter. Criteria: GeneDx Variant Classification Process June 2021. Collection method: clinical testing. Allele origin: germline. Affected: yes.
Comment: Not observed at significant frequency in large population cohorts (gnomAD); In silico analysis supports that this missense variant does not alter protein structure/function; Has not been previously published as pathogenic or benign to our knowledge

NM_006420.3(ARFGEF2):c.1420A>T (p.Ile474Leu)

Gene: ARFGEF2 (ARF guanine nucleotide exchange factor 2; plus strand). Cytogenetic location: 20q13.13.
Variant type: single nucleotide variant.
Coding change: c.1420A>T on transcript NM_006420.3 (MANE Select); coding-DNA position 1420, A replaced by T.
Protein change: p.Ile474Leu; replaces isoleucine 474 with leucine.
Molecular consequence: missense variant.
Genome position (GRCh38, 1-based): chr20:48,971,349, A>T. VCF-style: chr20-48971349-A-T. GRCh37 (hg19) VCF-style: chr20-47587886-A-T.
Other names: c.1417A>T, p.Ile473Leu (NM_001410846.1); short protein forms I473L, I474L.
Identifiers: ClinVar variation 2443384 (VCV002443384.1), dbSNP rs2091226569, ClinGen allele CA409328087.